The following is an entry in ClinVar:

ClinVar aggregate classification (germline): Likely pathogenic. Review status: criteria provided, multiple submitters, no conflicts (2 of 4 stars). 3 submissions from 3 submitters: Likely pathogenic (2). 1 of the submissions does not count toward it. Last evaluated 2026-06-18.

Conditions:
Fanconi anemia complementation group A (FANCA). Also called: FANCA-Related Fanconi Anemia; Fanconi anemia, group A. Identifiers: Orphanet 84, MedGen C3469521, MONDO:0009215, OMIM 227650.
Fanconi anemia (FA). Also called: Fanconi's anemia. Identifiers: Orphanet 84, MedGen C0015625, MeSH D005199, MONDO:0019391.

Submissions (3):

Myriad Genetics, Inc.
Classification: Likely pathogenic for Fanconi anemia complementation group A. Last evaluated: 2026-06-18. Review status: criteria provided, single submitter. Criteria: Myriad Autosomal Dominant, Autosomal Recessive and X-Linked Classification Criteria (2023). Collection method: clinical testing. Allele origin: unknown.
Comment: NM_000135.2(FANCA):c.1777-3_1783del10 is a variant in a canonical splice site classified as likely pathogenic in the context of Fanconi anemia complementation group A. c.1777-3_1783del10 has been observed in cases with relevant disease (PMID: 15643609). Relevant functional assessments of this variant are not available in the literature. c.1777-3_1783del10 has not been observed in referenced population frequency databases. In summary, NM_000135.2(FANCA):c.1777-3_1783del10 is a variant in a canonical splice site in a gene where loss of function is a known mechanism of disease, is predicted to disrupt protein function, and has been observed more frequently in cases with the relevant disease than in healthy populations. Please note: this variant was assessed in the context of healthy population screening.

Labcorp Genetics (formerly Invitae), Labcorp
Classification: Likely pathogenic for Fanconi anemia. Last evaluated: 2022-07-21. Review status: criteria provided, single submitter. Criteria: Invitae Variant Classification Sherloc (09022015). Collection method: clinical testing. Allele origin: germline.
Comment: In summary, the currently available evidence indicates that the variant is pathogenic, but additional data are needed to prove that conclusively. Therefore, this variant has been classified as Likely Pathogenic. Algorithms developed to predict the effect of sequence changes on RNA splicing suggest that this variant may disrupt the consensus splice site. ClinVar contains an entry for this variant (Variation ID: 974025). This variant has not been reported in the literature in individuals affected with FANCA-related conditions. This variant is not present in population databases (gnomAD no frequency). This variant results in the deletion of part of exon 20 (c.1777-3_1783del) of the FANCA gene. It is expected to disrupt RNA splicing. Variants that disrupt the donor or acceptor splice site typically lead to a loss of protein function (PMID: 16199547), and loss-of-function variants in FANCA are known to be pathogenic (PMID: 19367192).

Leiden Open Variation Database
Classification: Pathogenic for Fanconi anemia complementation group A. Last evaluated: 2020-02-28. Review status: no assertion criteria provided. Collection method: curation. Allele origin: germline. Affected: yes. Not counted in ClinVar's aggregate classification.
Comment: Curator: Arleen D. Auerbach. Submitter to LOVD: Arleen D. Auerbach.

Literature cited by the submitters: PubMed 15643609 (cited by Myriad Genetics, Inc.); PubMed 16199547 (cited by Labcorp Genetics (formerly Invitae), Labcorp); PubMed 19367192 (cited by Labcorp Genetics (formerly Invitae), Labcorp).

NM_000135.4(FANCA):c.1777-3_1783del

Gene: FANCA (FA complementation group A; minus strand). Cytogenetic location: 16q24.3.
Variant type: Deletion.
Coding change: c.1777-3_1783del on transcript NM_000135.4 (MANE Select); 3 bases into the intron before coding-DNA position 1777 through coding-DNA position 1783, 10 bases deleted (CAGCTCCCCA; older notation c.1777-3_1783delCAGCTCCCCA).
Molecular consequence: splice acceptor variant.
Genome position (GRCh38, 1-based): chr16:89,778,844-89,778,853, TGGGGAGCTG deleted on the plus strand (CAGCTCCCCA on the coding strand, the reverse complement: FANCA is on the minus strand); deleting any 10 consecutive bases within chr16:89,778,844-89,778,857 gives the same sequence; the c. name uses the placement nearest the transcript's 3' end. VCF-style (leftmost placement, unchanged base first): chr16-89778843-TTGGGGAGCTG-T. GRCh37 (hg19) VCF-style: chr16-89845251-TTGGGGAGCTG-T.
Other names: c.1777-3_1783del (NM_001286167.3).
Identifiers: ClinVar variation 974025 (VCV000974025.7), dbSNP rs2039605605, ClinGen allele CA1139665021.